The following is an entry in ClinVar:

NM_032638.5(GATA2):c.1023_1026dup (p.Arg344fs)

Gene: GATA2 (GATA binding protein 2; minus strand). Cytogenetic location: 3q21.3.
Variant type: Duplication.
Coding change: c.1023_1026dup on transcript NM_032638.5 (MANE Select); coding-DNA positions 1023 to 1026, 4 bases duplicated (CGCC; older notation c.1023_1026dupCGCC).
Protein change: p.Arg344fs; shifts the reading frame from arginine 344.
Molecular consequence: frameshift variant. On other transcripts: intron variant (1).
Genome position (GRCh38, 1-based): chr3:128,481,936-128,481,939, GGCG duplicated on the plus strand (CGCC on the coding strand, the reverse complement: GATA2 is on the minus strand); duplicating any 4 consecutive bases within chr3:128,481,936-128,481,940 gives the same sequence; the c. name uses the placement nearest the transcript's 3' end. VCF-style (leftmost placement, unchanged base first): chr3-128481935-T-TGGCG. GRCh37 (hg19) VCF-style: chr3-128200778-T-TGGCG.
Other names: c.1023_1026dup, p.Arg344fs (NM_001145661.2); c.1018-37_1018-34dup (NM_001145662.1); short protein forms R344fs.
Identifiers: ClinVar variation 1184218 (VCV001184218.1), dbSNP rs2107668827, ClinGen allele CA2499216450.
Genomic context (GRCh38, chr3:128,481,935, plus strand): 5'-TTCGGCGCCATAAGGTGGTGGTTGTCGTCTGACAATTTGCACAACAGGTGCCGGCTCTTC[T>TGGCG]GGCGGCCGACTGGGAGGGCAAGGCAGCGTCAGCAGGCTGGACTCCCACGCCCACCTCGAC-3'

ClinVar aggregate classification (germline): Pathogenic (1 of 4 stars; one submission).

Conditions:
Deafness-lymphedema-leukemia syndrome. Also called: Emberger syndrome; Lymphedema, primary, with myelodysplasia. Identifiers: Orphanet 3226, MedGen C3279664, MONDO:0013540, OMIM 614038.
GATA2 deficiency with susceptibility to MDS/AML. Identifiers: MedGen CN300066, MONDO:0042982.

Submission:

Molecular Pathology Research Laboratory, SA Pathology
Classification: Pathogenic for GATA2 deficiency with susceptibility to MDS/AML; Deafness-lymphedema-leukemia syndrome. Last evaluated: 2021-07-06. Review status: criteria provided, single submitter. Criteria: ACMG Guidelines, 2015. Collection method: curation. Allele origin: germline. Inheritance: Autosomal dominant inheritance. Affected: yes. Observed: 2 variant alleles.
Comment: PVS1, PS4_Moderate, PM2

Literature cited by the submitters: PubMed 32865708.